The following is an entry in ClinVar:

ClinVar aggregate classification (germline): Conflicting classifications of pathogenicity. Review status: criteria provided, conflicting classifications (1 of 4 stars). 2 submissions from 2 submitters: Likely pathogenic (1); Uncertain significance (1). Last evaluated 2024-02-24.

Conditions:
Hereditary insensitivity to pain with anhidrosis (CIPA). Also called: NTRK1 Congenital Insensitivity to Pain with Anhidrosis; HSAN Type IV; INSENSITIVITY TO PAIN, CONGENITAL, WITH ANHIDROSIS; NEUROPATHY, CONGENITAL SENSORY, WITH ANHIDROSIS; hereditary sensory and autonomic neuropathy type 4; FAMILIAL DYSAUTONOMIA, TYPE II. Identifiers: Orphanet 642, MedGen C0020074, MONDO:0009746, OMIM 256800.

Allele frequency attached by ClinVar (database versions not stated): gnomAD exomes below 0.00001; gnomAD 0.00002; TOPMed 0.00002; ESP Exome Variant Server 0.00008.
gnomAD v4.1: 4 of 1,612,284 alleles (0.00025%); highest among the groups gnomAD compares: African/African-American, 0.0053%; no homozygotes.

Submissions (2):

Labcorp Genetics (formerly Invitae), Labcorp
Classification: Likely pathogenic for Hereditary insensitivity to pain with anhidrosis. Last evaluated: 2024-02-24. Review status: criteria provided, single submitter. Criteria: Invitae Variant Classification Sherloc (09022015). Collection method: clinical testing. Allele origin: germline.
Comment: This sequence change replaces leucine, which is neutral and non-polar, with proline, which is neutral and non-polar, at codon 346 of the NTRK1 protein (p.Leu346Pro). This variant is present in population databases (rs150651692, gnomAD 0.004%). This missense change has been observed in individual(s) with clinical features of congenital insensitivity to pain with anhidrosis (PMID: 29770739). In at least one individual the data is consistent with being in trans (on the opposite chromosome) from a pathogenic variant. ClinVar contains an entry for this variant (Variation ID: 586190). Advanced modeling of protein sequence and biophysical properties (such as structural, functional, and spatial information, amino acid conservation, physicochemical variation, residue mobility, and thermodynamic stability) performed at Invitae indicates that this missense variant is expected to disrupt NTRK1 protein function with a positive predictive value of 80%. In summary, the currently available evidence indicates that the variant is pathogenic, but additional data are needed to prove that conclusively. Therefore, this variant has been classified as Likely Pathogenic.

Athena Diagnostics
Classification: Uncertain significance. Last evaluated: 2017-10-02. Review status: criteria provided, single submitter. Criteria: Athena Diagnostics Criteria. Collection method: clinical testing. Allele origin: germline.

Literature cited by the submitters: PubMed 29770739 (cited by Labcorp Genetics (formerly Invitae), Labcorp).

NM_002529.4(NTRK1):c.1037T>C (p.Leu346Pro)

Gene: NTRK1 (neurotrophic receptor tyrosine kinase 1; plus strand). Cytogenetic location: 1q23.1.
Variant type: single nucleotide variant.
Coding change: c.1037T>C on transcript NM_002529.4 (MANE Select); coding-DNA position 1037, T replaced by C.
Protein change: p.Leu346Pro; replaces leucine 346 with proline.
Molecular consequence: missense variant.
Genome position (GRCh38, 1-based): chr1:156,873,819, T>C. VCF-style: chr1-156873819-T-C. GRCh37 (hg19) VCF-style: chr1-156843611-T-C.
Other names: c.947T>C, p.Leu316Pro (NM_001007792.1); c.1037T>C, p.Leu346Pro (NM_001012331.2); short protein forms L316P, L346P.
Identifiers: ClinVar variation 586190 (VCV000586190.6), dbSNP rs150651692, ClinGen allele CA31115326.
Genomic context (GRCh38, chr1:156,873,819, plus strand): 5'-GCTTCATCTTCACTGAGTTCCTGGAGCCGGCAGCCAATGAGACCGTGCGGCACGGGTGTC[T>C]GCGCCTCAACCAGCCCACCCACGTCAACAACGGCAACTACACGCTGCTGGCTGCCAACCC-3'
Protein context (NP_002520.2, residues 336-356): AANETVRHGC[Leu346Pro]RLNQPTHVNN